The following is an entry in ClinVar:

ClinVar aggregate classification (germline): Pathogenic. Review status: criteria provided, multiple submitters, no conflicts (2 of 4 stars). 3 submissions from 3 submitters: Pathogenic (3). Last evaluated 2026-05-20.

Conditions:
Hereditary cancer-predisposing syndrome. Also called: Hereditary Cancer Syndrome; Hereditary neoplastic syndrome; Neoplastic Syndromes, Hereditary; Tumor predisposition. Identifiers: Orphanet 140162, MedGen C0027672, MeSH D009386, MONDO:0015356.
Familial adenomatous polyposis 2. Also called: COLORECTAL ADENOMATOUS POLYPOSIS, AUTOSOMAL RECESSIVE; ADENOMAS, MULTIPLE COLORECTAL, AUTOSOMAL RECESSIVE; MUTYH-associated polyposis; MUTYH-related attenuated familial adenomatous polyposis; FAP type 2; MUTYH Polyposis. Identifiers: Orphanet 220460, Orphanet 247798, MedGen C3272841, MONDO:0012041, OMIM 608456.

Submissions (3):

Myriad Genetics, Inc.
Classification: Pathogenic for Familial adenomatous polyposis 2. Last evaluated: 2026-05-20. Review status: criteria provided, single submitter. Criteria: Myriad Autosomal Dominant, Autosomal Recessive and X-Linked Classification Criteria (2023). Collection method: clinical testing. Allele origin: unknown.
Comment: This variant is considered pathogenic. This variant creates a frameshift predicted to result in premature protein truncation.

Ambry Genetics
Classification: Pathogenic for Hereditary cancer-predisposing syndrome. Last evaluated: 2025-06-24. Review status: criteria provided, single submitter. Criteria: Ambry Variant Classification Scheme 2023. Collection method: clinical testing. Allele origin: germline.
Comment: The c.633_660del28 pathogenic mutation, located in coding exon 8 of the MUTYH gene, results from a deletion of 28 nucleotides at nucleotide positions 633 to 660, causing a translational frameshift with a predicted alternate stop codon (p.L212Gfs*19). This variant is considered to be rare based on population cohorts in the Genome Aggregation Database (gnomAD). This alteration is expected to result in loss of function by premature protein truncation or nonsense-mediated mRNA decay. As such, this alteration is interpreted as a disease-causing mutation.

Labcorp Genetics (formerly Invitae), Labcorp
Classification: Pathogenic for Familial adenomatous polyposis 2. Last evaluated: 2022-07-19. Review status: criteria provided, single submitter. Criteria: Invitae Variant Classification Sherloc (09022015). Collection method: clinical testing. Allele origin: germline.
Comment: For these reasons, this variant has been classified as Pathogenic. Algorithms developed to predict the effect of sequence changes on RNA splicing suggest that this variant may disrupt the consensus splice site. ClinVar contains an entry for this variant (Variation ID: 662131). This variant has not been reported in the literature in individuals affected with MUTYH-related conditions. This variant is not present in population databases (gnomAD no frequency). This sequence change creates a premature translational stop signal (p.Leu212Glyfs*19) in the MUTYH gene. It is expected to result in an absent or disrupted protein product. Loss-of-function variants in MUTYH are known to be pathogenic (PMID: 18534194, 20663686).

Literature cited by the submitters: PubMed 18534194 (cited by Labcorp Genetics (formerly Invitae), Labcorp); PubMed 20663686 (cited by Labcorp Genetics (formerly Invitae), Labcorp).

NM_001048174.2(MUTYH):c.549_576del (p.Leu184fs)

Gene: MUTYH (mutY DNA glycosylase; minus strand). Cytogenetic location: 1p34.1.
Variant type: Deletion.
Coding change: c.549_576del on transcript NM_001048174.2 (MANE Select); coding-DNA positions 549 to 576, 28 bases deleted (CCTGCCTGGCGTGGGGCGCTACACAGCT).
Protein change: p.Leu184fs; shifts the reading frame from leucine 184.
Molecular consequence: frameshift variant. On other transcripts: non-coding transcript variant (2).
Genome position (GRCh38, 1-based): chr1:45,332,604-45,332,631, AGCTGTGTAGCGCCCCACGCCAGGCAGG deleted on the plus strand (CCTGCCTGGCGTGGGGCGCTACACAGCT on the coding strand, the reverse complement: MUTYH is on the minus strand); deleting any 28 consecutive bases within chr1:45,332,604-45,332,636 gives the same sequence; the c. name uses the placement nearest the transcript's 3' end. VCF-style (leftmost placement, unchanged base first): chr1-45332603-CAGCTGTGTAGCGCCCCACGCCAGGCAGG-C. GRCh37 (hg19) VCF-style: chr1-45798275-CAGCTGTGTAGCGCCCCACGCCAGGCAGG-C.
Other names: c.633_660delCCTGCCTGGCGTGGGGCGCTACACAGCT (NM_001128425.1); c.633_660del28 (NM_001128425.1); c.549_576del, p.Leu184fs (NM_001048171.2, NM_001048173.2, NM_001293195.2); c.552_579del, p.Leu185fs (NM_001048172.2); c.633_660del, p.Leu212fs (NM_001128425.2); c.594_621del, p.Leu199fs (NM_001293190.2); c.582_609del, p.Leu195fs (NM_001293191.2); c.273_300del, p.Leu92fs (NM_001293192.2, NM_001293196.2); and 2 more; short protein forms L92fs, L184fs, L195fs, L199fs, L212fs, L69fs, L209fs, L185fs.
Identifiers: ClinVar variation 662131 (VCV000662131.8), dbSNP rs1570415363, ClinGen allele CA915941275.